The following is an entry in ClinVar:

NM_014465.4(SULT1B1):c.782C>T (p.Thr261Met)

Gene: SULT1B1 (sulfotransferase family 1B member 1; minus strand). Cytogenetic location: 4q13.3.
Variant type: single nucleotide variant.
Coding change: c.782C>T on transcript NM_014465.4 (MANE Select); coding-DNA position 782, C replaced by T.
Protein change: p.Thr261Met; replaces threonine 261 with methionine.
Molecular consequence: missense variant.
Genome position (GRCh38, 1-based): chr4:69,727,197, G>A on the plus strand (C>T on the coding strand, the complement: SULT1B1 is on the minus strand). VCF-style: chr4-69727197-G-A. GRCh37 (hg19) VCF-style: chr4-70592915-G-A.
Other names: short protein forms T261M.
Identifiers: ClinVar variation 2654791 (VCV002654791.24), dbSNP rs11569729, ClinGen allele CA2947320.

ClinVar aggregate classification (germline): Likely benign (1 of 4 stars; one submission).

Allele frequency attached by ClinVar (database versions not stated): gnomAD exomes 0.00178; 1000 Genomes Project 30x 0.00219; 1000 Genomes Project 0.00240; ExAC 0.00248; TOPMed 0.00366; gnomAD 0.00373; ESP Exome Variant Server 0.00415.
gnomAD v4.1: 3,143 of 1,602,078 alleles (0.2%); highest among the groups gnomAD compares: African/African-American, 0.88%; 10 homozygotes.

Submission:

CeGaT Center for Human Genetics Tuebingen
Classification: Likely benign. Last evaluated: 2023-01-01. Review status: criteria provided, single submitter. Criteria: CeGaT Center For Human Genetics Tuebingen Variant Classification Criteria Version 2. Collection method: clinical testing. Allele origin: germline. Affected: yes. Observed: 1 variant allele.
Comment: SULT1B1: BP4, BS2